The following is an entry in ClinVar:

NM_002878.4(RAD51D):c.352C>T (p.Leu118Phe)

Genes: RAD51D (RAD51 paralog D; minus strand), RAD51L3-RFFL (RAD51L3-RFFL readthrough; minus strand). Cytogenetic location: 17q12.
Variant type: single nucleotide variant.
Coding change: c.352C>T on transcript NM_002878.4 (MANE Select); coding-DNA position 352, C replaced by T.
Protein change: p.Leu118Phe; replaces leucine 118 with phenylalanine.
Molecular consequence: missense variant. On other transcripts: non-coding transcript variant (1), intron variant (1).
Genome position (GRCh38, 1-based): chr17:35,107,116, G>A on the plus strand (C>T on the coding strand, the complement: RAD51D is on the minus strand). VCF-style: chr17-35107116-G-A. GRCh37 (hg19) VCF-style: chr17-33434135-G-A.
Other names: c.412C>T, p.Leu138Phe (NM_001142571.2); c.145-635C>T (NM_133629.3); short protein forms L118F, L138F.
Identifiers: ClinVar variation 823890 (VCV000823890.13), dbSNP rs1597862842, ClinGen allele CA399089396.

ClinVar aggregate classification (germline): Uncertain significance. Review status: criteria provided, multiple submitters, no conflicts (2 of 4 stars). 3 submissions from 3 submitters: Uncertain significance (3). Last evaluated 2025-11-10.

Conditions:
Breast-ovarian cancer, familial, susceptibility to, 4. Identifiers: Orphanet 145, MedGen C3280345, MONDO:0013669, OMIM 614291.
Hereditary cancer-predisposing syndrome. Also called: Neoplastic Syndromes, Hereditary; Tumor predisposition; Hereditary neoplastic syndrome; Hereditary Cancer Syndrome. Identifiers: Orphanet 140162, MedGen C0027672, MeSH D009386, MONDO:0015356.

Submissions (3):

Labcorp Genetics (formerly Invitae), Labcorp
Classification: Uncertain significance for Breast-ovarian cancer, familial, susceptibility to, 4. Last evaluated: 2025-11-10. Review status: criteria provided, single submitter. Criteria: Invitae Variant Classification Sherloc (09022015). Collection method: clinical testing. Allele origin: germline.
Comment: This sequence change replaces leucine, which is neutral and non-polar, with phenylalanine, which is neutral and non-polar, at codon 118 of the RAD51D protein (p.Leu118Phe). This variant is not present in population databases (gnomAD no frequency). This variant has not been reported in the literature in individuals affected with RAD51D-related conditions. ClinVar contains an entry for this variant (Variation ID: 823890). Invitae Evidence Modeling of protein sequence and biophysical properties (such as structural, functional, and spatial information, amino acid conservation, physicochemical variation, residue mobility, and thermodynamic stability) indicates that this missense variant is not expected to disrupt RAD51D protein function with a negative predictive value of 80%. In summary, the available evidence is currently insufficient to determine the role of this variant in disease. Therefore, it has been classified as a Variant of Uncertain Significance.

Ambry Genetics
Classification: Uncertain significance for Hereditary cancer-predisposing syndrome. Last evaluated: 2025-08-25. Review status: criteria provided, single submitter. Criteria: Ambry Variant Classification Scheme 2023. Collection method: clinical testing. Allele origin: germline.
Comment: The p.L118F variant (also known as c.352C>T), located in coding exon 5 of the RAD51D gene, results from a C to T substitution at nucleotide position 352. The leucine at codon 118 is replaced by phenylalanine, an amino acid with highly similar properties. This amino acid position is highly conserved in available vertebrate species. In addition, the in silico prediction for this alteration is inconclusive. Since supporting evidence is limited at this time, the clinical significance of this alteration remains unclear.

Baylor Genetics
Classification: Uncertain significance for Breast-ovarian cancer, familial, susceptibility to, 4. Last evaluated: 2023-09-29. Review status: criteria provided, single submitter. Criteria: ACMG Guidelines, 2015. Collection method: clinical testing. Allele origin: unknown.